The following is an entry in ClinVar:

NM_020631.6(PLEKHG5):c.2132del (p.Gln711fs)

Gene: PLEKHG5 (pleckstrin homology and RhoGEF domain containing G5; minus strand). Cytogenetic location: 1p36.31.
Variant type: Deletion.
Coding change: c.2132del on transcript NM_020631.6 (MANE Select); coding-DNA position 2132, one base deleted (A; older notation c.2132delA).
Protein change: p.Gln711fs; shifts the reading frame from glutamine 711.
Molecular consequence: frameshift variant.
Genome position (GRCh38, 1-based): chr1:6,469,159, T deleted on the plus strand (A on the coding strand, the reverse complement: PLEKHG5 is on the minus strand). VCF-style (leftmost placement, unchanged base first): chr1-6469158-CT-C. GRCh37 (hg19) VCF-style: chr1-6529218-CT-C.
Other names: c.2243del, p.Gln748fs (NM_001042663.3, NM_001265592.2); c.2132del, p.Gln711fs (NM_001042664.2, NM_001042665.2, NM_001265594.3 and 1 more transcripts); c.2339del, p.Gln780fs (NM_001265593.2); short protein forms Q748fs, Q711fs, Q780fs.
Identifiers: ClinVar variation 2945617 (VCV002945617.3), dbSNP rs2523130896, ClinGen allele CA2740090577.
Genomic context (GRCh38, chr1:6,469,158, plus strand): 5'-AGCTGAAGTGCCACTGTCCTCGCCTTCCTCCTCCTCCTCCTCCTCCTCCTCTTCCTCCTC[CT>C]GCTCATCCTCCTCCTCTTCCAGGCTCTGCAGGGGCTGCTGACTGCCTGGGGGCTCCTGTG-3'

ClinVar aggregate classification (germline): Pathogenic (1 of 4 stars; one submission).

Conditions:
Charcot-Marie-Tooth disease recessive intermediate C. Also called: CHARCOT-MARIE-TOOTH NEUROPATHY, RECESSIVE INTERMEDIATE C. Identifiers: Orphanet 369867, MedGen C3809309, MONDO:0014154, OMIM 615376.
Neuronopathy, distal hereditary motor, autosomal recessive 4. Also called: NEUROPATHY, DISTAL HEREDITARY MOTOR, AUTOSOMAL RECESSIVE 4; Autosomal recessive lower motor neuron disease with childhood onset. Identifiers: Orphanet 206580, MedGen C1970211, MONDO:0012608, OMIM 611067.

Submission:

Labcorp Genetics (formerly Invitae), Labcorp
Classification: Pathogenic for Neuronopathy, distal hereditary motor, autosomal recessive 4; Charcot-Marie-Tooth disease recessive intermediate C. Last evaluated: 2025-03-31. Review status: criteria provided, single submitter. Criteria: Invitae Variant Classification Sherloc (09022015). Collection method: clinical testing. Allele origin: germline.
Comment: This sequence change creates a premature translational stop signal (p.Gln711Argfs*54) in the PLEKHG5 gene. It is expected to result in an absent or disrupted protein product. Loss-of-function variants in PLEKHG5 are known to be pathogenic (PMID: 17564964, 23777631). This variant is not present in population databases (gnomAD no frequency). This variant has not been reported in the literature in individuals affected with PLEKHG5-related conditions. ClinVar contains an entry for this variant (Variation ID: 2945617). For these reasons, this variant has been classified as Pathogenic.

Literature cited by the submitters: PubMed 17564964; PubMed 23777631.